The following is an entry in ClinVar:

ClinVar aggregate classification (germline): Uncertain significance. Review status: criteria provided, multiple submitters, no conflicts (2 of 4 stars). 2 submissions from 2 submitters: Uncertain significance (2). Last evaluated 2025-01-08.

Conditions:
Hereditary cancer-predisposing syndrome. Also called: Hereditary neoplastic syndrome; Tumor predisposition; Neoplastic Syndromes, Hereditary; Hereditary Cancer Syndrome. Identifiers: Orphanet 140162, MedGen C0027672, MeSH D009386, MONDO:0015356.
POLD1-related polyposis and colorectal cancer syndrome (CRCS10). Also called: Colorectal cancer 10; COLORECTAL CANCER, SUSCEPTIBILITY TO, ON CHROMOSOME 19q; Colorectal cancer, susceptibility to, 10. Identifiers: Orphanet 220460, MedGen C2675481, MONDO:0012953, OMIM 612591.

gnomAD v4.1: 2 of 1,574,712 alleles (0.00013%); highest among the groups gnomAD compares: African/African-American, 0.0027%; no homozygotes.

Submissions (2):

Labcorp Genetics (formerly Invitae), Labcorp
Classification: Uncertain significance for POLD1-related polyposis and colorectal cancer syndrome. Last evaluated: 2025-01-08. Review status: criteria provided, single submitter. Criteria: Invitae Variant Classification Sherloc (09022015). Collection method: clinical testing. Allele origin: germline.
Comment: This sequence change replaces aspartic acid, which is acidic and polar, with glutamic acid, which is acidic and polar, at codon 854 of the POLD1 protein (p.Asp854Glu). This variant is not present in population databases (gnomAD no frequency). This variant has not been reported in the literature in individuals affected with POLD1-related conditions. ClinVar contains an entry for this variant (Variation ID: 942845). An algorithm developed to predict the effect of missense changes on protein structure and function (PolyPhen-2) suggests that this variant is likely to be tolerated. In summary, the available evidence is currently insufficient to determine the role of this variant in disease. Therefore, it has been classified as a Variant of Uncertain Significance.

Ambry Genetics
Classification: Uncertain significance for Hereditary cancer-predisposing syndrome. Last evaluated: 2024-12-06. Review status: criteria provided, single submitter. Criteria: Ambry Variant Classification Scheme 2023. Collection method: clinical testing. Allele origin: germline.
Comment: The p.D854E variant (also known as c.2562C>A), located in coding exon 19 of the POLD1 gene, results from a C to A substitution at nucleotide position 2562. The aspartic acid at codon 854 is replaced by glutamic acid, an amino acid with highly similar properties. This amino acid position is conserved. In addition, this alteration is predicted to be tolerated by in silico analysis. Based on the available evidence, the clinical significance of this variant remains unclear.

NM_002691.4(POLD1):c.2562C>A (p.Asp854Glu)

Gene: POLD1 (DNA polymerase delta 1, catalytic subunit; plus strand). Cytogenetic location: 19q13.33.
Variant type: single nucleotide variant.
Coding change: c.2562C>A on transcript NM_002691.4 (MANE Select); coding-DNA position 2562, C replaced by A.
Protein change: p.Asp854Glu; replaces aspartic acid 854 with glutamic acid.
Molecular consequence: missense variant. On other transcripts: non-coding transcript variant (1).
Genome position (GRCh38, 1-based): chr19:50,414,988, C>A. VCF-style: chr19-50414988-C-A. GRCh37 (hg19) VCF-style: chr19-50918245-C-A.
Other names: c.2562C>A, p.Asp854Glu (NM_001256849.1); c.2640C>A, p.Asp880Glu (NM_001308632.1); c.2562C>A (NM_002691.2); short protein forms D854E, D880E.
Identifiers: ClinVar variation 942845 (VCV000942845.10), dbSNP rs746579020, ClinGen allele CA406985248.
Genomic context (GRCh38, chr19:50,414,988, plus strand): 5'-GGACAACTGCCCCCTCGTGGCCAACCTGGTCACTGCCTCACTGCGCCGCCTGCTCATCGA[C>A]CGGTGTGTGGGGCCTCCTCCCTCAGACTCAGGGGGCTGGGCCCCAAACCCCTCCTCCCTC-3'
Protein context (NP_002682.2, residues 844-864): VTASLRRLLI[Asp854Glu]RDPEGAVAHA